The following is an entry in ClinVar:

NM_024426.6(WT1):c.883A>G (p.Ser295Gly)

Gene: WT1 (WT1 transcription factor; minus strand). Cytogenetic location: 11p13.
Variant type: single nucleotide variant.
Coding change: c.883A>G on transcript NM_024426.6 (MANE Select); coding-DNA position 883, A replaced by G.
Protein change: p.Ser295Gly; replaces serine 295 with glycine.
Molecular consequence: missense variant. On other transcripts: non-coding transcript variant (1).
Genome position (GRCh38, 1-based): chr11:32,427,960, T>C on the plus strand (A>G on the coding strand, the complement: WT1 is on the minus strand). VCF-style: chr11-32427960-T-C. GRCh37 (hg19) VCF-style: chr11-32449506-T-C.
Other names: c.883A>G, p.Ser295Gly (NM_000378.6, NM_001407044.1, NM_001407045.1 and 4 more transcripts); c.232A>G, p.Ser78Gly (NM_001198551.2, NM_001198552.2); c.760A>G, p.Ser254Gly (NM_001407047.1, NM_001407050.1); c.121A>G, p.Ser41Gly (NM_001407051.1); c.868A>G, p.Ser290Gly (NM_024425.2); short protein forms S295G, S78G, S254G, S41G, S290G.
Identifiers: ClinVar variation 941125 (VCV000941125.12), dbSNP rs1853113579, ClinGen allele CA379962792.

ClinVar aggregate classification (germline): Uncertain significance. Review status: criteria provided, multiple submitters, no conflicts (2 of 4 stars). 2 submissions from 2 submitters: Uncertain significance (2). Last evaluated 2025-07-07.

Conditions:
Drash syndrome (DDS). Also called: WILMS TUMOR AND PSEUDO- OR TRUE HERMAPHRODITISM; NEPHROPATHY, WILMS TUMOR, AND GENITAL ANOMALIES. Identifiers: Orphanet 220, MedGen C0950121, MONDO:0008682, OMIM 194080.
Frasier syndrome. Identifiers: Orphanet 347, MedGen C0950122, MeSH D052159, MONDO:0007635, OMIM 136680.
Wilms tumor 1 (WT1). Also called: Wilms tumor, somatic. Identifiers: Orphanet 654, MedGen CN033288, MONDO:0008679, OMIM 194070.
11p partial monosomy syndrome (WAGR). Also called: WAGR syndrome; CHROMOSOME 11p13 DELETION SYNDROME; WAGR Complex; WAGR Spectrum Disorder. Identifiers: Orphanet 893, MedGen C0206115, MONDO:0008681, OMIM 194072.

Submissions (2):

Color Diagnostics, LLC DBA Color Health
Classification: Uncertain significance for Wilms tumor 1. Last evaluated: 2025-07-07. Review status: criteria provided, single submitter. Criteria: ACMG Guidelines, 2015. Collection method: clinical testing. Allele origin: germline.
Comment: This missense variant replaces serine with glycine at codon 290 of the WT1 protein. Computational prediction suggests that this variant may not impact protein structure and function. To our knowledge, functional studies have not been reported for this variant. This variant has not been reported in individuals affected with WT1-related disorders in the literature. This variant has not been identified in the general population by the Genome Aggregation Database (gnomAD). The available evidence is insufficient to determine the role of this variant in disease conclusively. Therefore, this variant is classified as a Variant of Uncertain Significance.

Labcorp Genetics (formerly Invitae), Labcorp
Classification: Uncertain significance for Wilms tumor 1; Drash syndrome; 11p partial monosomy syndrome; Frasier syndrome. Last evaluated: 2019-10-03. Review status: criteria provided, single submitter. Criteria: Invitae Variant Classification Sherloc (09022015). Collection method: clinical testing. Allele origin: germline.
Comment: This sequence change replaces serine with glycine at codon 290 of the WT1 protein (p.Ser290Gly). The serine residue is moderately conserved and there is a small physicochemical difference between serine and glycine. This variant is not present in population databases (ExAC no frequency). This variant has not been reported in the literature in individuals with WT1-related conditions. Algorithms developed to predict the effect of missense changes on protein structure and function (SIFT, PolyPhen-2, Align-GVGD) all suggest that this variant is likely to be tolerated, but these predictions have not been confirmed by published functional studies and their clinical significance is uncertain. In summary, the available evidence is currently insufficient to determine the role of this variant in disease. Therefore, it has been classified as a Variant of Uncertain Significance.